The following is an entry in ClinVar:

NM_032043.3(BRIP1):c.2906-10G>A

Gene: BRIP1 (BRCA1 interacting DNA helicase 1; minus strand). Cytogenetic location: 17q23.2.
Variant type: single nucleotide variant.
Coding change: c.2906-10G>A on transcript NM_032043.3 (MANE Select); 10 bases into the intron before coding-DNA position 2906, G replaced by A.
Molecular consequence: intron variant.
Genome position (GRCh38, 1-based): chr17:61,684,150, C>T on the plus strand (G>A on the coding strand, the complement: BRIP1 is on the minus strand). VCF-style: chr17-61684150-C-T. GRCh37 (hg19) VCF-style: chr17-59761511-C-T.
Identifiers: ClinVar variation 1608099 (VCV001608099.10), dbSNP rs1437222408, ClinGen allele CA2573154356.

ClinVar aggregate classification (germline): Likely benign. Review status: criteria provided, multiple submitters, no conflicts (2 of 4 stars). 2 submissions from 2 submitters: Likely benign (2). Last evaluated 2024-09-09.

Conditions:
Familial cancer of breast. Also called: hereditary breast carcinoma; Hereditary breast cancer; BREAST CANCER, FAMILIAL. Identifiers: Orphanet 227535, MedGen C0346153, MONDO:0016419, OMIM 114480. Disease mechanism: loss of function.
Fanconi anemia complementation group J. Also called: BRIP1-Related Fanconi Anemia. Identifiers: Orphanet 84, MedGen C1836860, MONDO:0012187, OMIM 609054.

Allele frequency attached by ClinVar (database versions not stated): gnomAD exomes below 0.00001.
gnomAD v4.1: 2 of 1,612,174 alleles (0.00012%); highest among the groups gnomAD compares: African/African-American, 0.0013%; no homozygotes.

Submissions (2):

Myriad Genetics, Inc.
Classification: Likely benign for Familial cancer of breast. Last evaluated: 2024-09-09. Review status: criteria provided, single submitter. Criteria: Myriad Autosomal Dominant, Autosomal Recessive and X-Linked Classification Criteria (2023). Collection method: clinical testing. Allele origin: unknown.
Comment: This variant is considered likely benign. This variant is intronic and is not expected to impact mRNA splicing.

Labcorp Genetics (formerly Invitae), Labcorp
Classification: Likely benign for Familial cancer of breast; Fanconi anemia complementation group J. Last evaluated: 2021-05-04. Review status: criteria provided, single submitter. Criteria: Invitae Variant Classification Sherloc (09022015). Collection method: clinical testing. Allele origin: germline.